The following is an entry in ClinVar:

NM_001017995.3(SH3PXD2B):c.1155C>T (p.Asp385=)

Gene: SH3PXD2B (SH3 and PX domains 2B; minus strand). Cytogenetic location: 5q35.1.
Variant type: single nucleotide variant.
Coding change: c.1155C>T on transcript NM_001017995.3 (MANE Select); coding-DNA position 1155, C replaced by T.
Protein change: p.Asp385=; no amino-acid change (aspartic acid 385 retained).
Molecular consequence: synonymous variant.
Genome position (GRCh38, 1-based): chr5:172,346,169, G>A on the plus strand (C>T on the coding strand, the complement: SH3PXD2B is on the minus strand). VCF-style: chr5-172346169-G-A. GRCh37 (hg19) VCF-style: chr5-171773173-G-A.
Other names: c.1155C>T, p.Asp385= (NM_001308175.2).
Identifiers: ClinVar variation 1660119 (VCV001660119.11), dbSNP rs141890300, ClinGen allele CA3561281.

ClinVar aggregate classification (germline): Likely benign. Review status: criteria provided, multiple submitters, no conflicts (2 of 4 stars). 3 submissions from 3 submitters: Likely benign (3). Last evaluated 2026-04-01.

Allele frequency attached by ClinVar (database versions not stated): TOPMed 0.00036; ESP Exome Variant Server 0.00038; gnomAD 0.00043 and 0.00042; gnomAD exomes 0.00052 and 0.00067; ExAC 0.00087.
gnomAD v4.1: 822 of 1,614,038 alleles (0.051%); highest among the groups gnomAD compares: Non-Finnish European, 0.062%; 1 homozygote.

Submissions (3):

CeGaT Center for Human Genetics Tuebingen
Classification: Likely benign. Last evaluated: 2026-04-01. Review status: criteria provided, single submitter. Criteria: CeGaT Center For Human Genetics Tuebingen Variant Classification Criteria Version 2. Collection method: clinical testing. Allele origin: germline. Affected: yes. Observed: 1 variant allele.
Comment: SH3PXD2B: BP4, BP7

Labcorp Genetics (formerly Invitae), Labcorp
Classification: Likely benign. Last evaluated: 2026-01-05. Review status: criteria provided, single submitter. Criteria: Invitae Variant Classification Sherloc (09022015). Collection method: clinical testing. Allele origin: germline.

Blueprint Genetics
Classification: Likely benign. Last evaluated: 2024-11-13. Review status: criteria provided, single submitter. Criteria: ACMG Guidelines, 2015. Collection method: clinical testing. Allele origin: germline.